The following is an entry in ClinVar:

ClinVar aggregate classification (germline): Uncertain significance. Review status: criteria provided, multiple submitters, no conflicts (2 of 4 stars). 6 submissions from 6 submitters: Uncertain significance (6). Last evaluated 2026-09-09.

Conditions:
IFT172-related disorder. Also called: IFT172-related condition; IFT172-related disorders.
Retinitis pigmentosa 71 (RP71). Identifiers: Orphanet 791, MedGen C4225342, MONDO:0014618, OMIM 616394.
Short-rib thoracic dysplasia 10 with or without polydactyly (SRTD10). Identifiers: Orphanet 474, MedGen C3810175, MONDO:0014284, OMIM 615630.
Bardet-Biedl syndrome 20. Identifiers: MedGen C4310707, MONDO:0023670, OMIM 619471, MONDO:0014926.

Allele frequency attached by ClinVar (database versions not stated): gnomAD exomes 0.00017 and 0.00020; TOPMed 0.00020; ExAC 0.00021; ESP Exome Variant Server 0.00038.
gnomAD v4.1: 333 of 1,613,938 alleles (0.021%); highest among the groups gnomAD compares: Non-Finnish European, 0.026%; 1 homozygote.

Submissions (6):

PreventionGenetics, part of Exact Sciences
Classification: Uncertain significance for IFT172-related condition. Last evaluated: 2026-09-09. Review status: criteria provided, single submitter. Criteria: ACMG Guidelines, 2015. Collection method: clinical testing. Allele origin: germline.
Comment: The IFT172 c.3400C>T variant is predicted to result in the amino acid substitution p.Arg1134Trp. To our knowledge, this variant has not been reported in the literature. This variant is reported in 0.029% of alleles in individuals of European (non-Finnish) descent in gnomAD. At this time, the clinical significance of this variant is uncertain due to the absence of conclusive functional and genetic evidence.

Labcorp Genetics (formerly Invitae), Labcorp
Classification: Uncertain significance for Retinitis pigmentosa 71; Short-rib thoracic dysplasia 10 with or without polydactyly. Last evaluated: 2026-01-19. Review status: criteria provided, single submitter. Criteria: Invitae Variant Classification Sherloc (09022015). Collection method: clinical testing. Allele origin: germline.
Comment: This sequence change replaces arginine, which is basic and polar, with tryptophan, which is neutral and slightly polar, at codon 1134 of the IFT172 protein (p.Arg1134Trp). This variant is present in population databases (rs139223261, gnomAD 0.03%). This variant has not been reported in the literature in individuals affected with IFT172-related conditions. ClinVar contains an entry for this variant (Variation ID: 850299). Invitae Evidence Modeling of protein sequence and biophysical properties (such as structural, functional, and spatial information, amino acid conservation, physicochemical variation, residue mobility, and thermodynamic stability) has been performed for this missense variant. However, the output from this modeling did not meet the statistical confidence thresholds required to predict the impact of this variant on IFT172 protein function. In summary, the available evidence is currently insufficient to determine the role of this variant in disease. Therefore, it has been classified as a Variant of Uncertain Significance.

Blueprint Genetics
Classification: Uncertain significance. Last evaluated: 2024-11-25. Review status: criteria provided, single submitter. Criteria: ACMG Guidelines, 2015. Collection method: clinical testing. Allele origin: germline.

GeneDx
Classification: Uncertain significance. Last evaluated: 2024-11-11. Review status: criteria provided, single submitter. Criteria: GeneDx Variant Classification Process June 2021. Collection method: clinical testing. Allele origin: germline. Affected: yes.
Comment: In silico analysis supports that this missense variant has a deleterious effect on protein structure/function; Has not been previously published as pathogenic or benign to our knowledge

Fulgent Genetics
Classification: Uncertain significance for Short-rib thoracic dysplasia 10 with or without polydactyly; Retinitis pigmentosa 71; Bardet-Biedl syndrome 20. Last evaluated: 2024-06-09. Review status: criteria provided, single submitter. Criteria: ACMG Guidelines, 2015. Collection method: clinical testing. Allele origin: germline.

Genetic Services Laboratory, University of Chicago
Classification: Uncertain significance. Last evaluated: 2018-04-17. Review status: criteria provided, single submitter. Criteria: ACMG Guidelines, 2015. Collection method: clinical testing. Allele origin: germline. Affected: no.

NM_015662.3(IFT172):c.3400C>T (p.Arg1134Trp)

Gene: IFT172 (intraflagellar transport 172; minus strand). Cytogenetic location: 2p23.3.
Variant type: single nucleotide variant.
Coding change: c.3400C>T on transcript NM_015662.3 (MANE Select); coding-DNA position 3400, C replaced by T.
Protein change: p.Arg1134Trp; replaces arginine 1134 with tryptophan.
Molecular consequence: missense variant.
Genome position (GRCh38, 1-based): chr2:27,454,632, G>A on the plus strand (C>T on the coding strand, the complement: IFT172 is on the minus strand). VCF-style: chr2-27454632-G-A. GRCh37 (hg19) VCF-style: chr2-27677499-G-A.
Other names: short protein forms R1134W.
Identifiers: ClinVar variation 850299 (VCV000850299.18), dbSNP rs139223261, ClinGen allele CA1579996.